The following is an entry in ClinVar:

NM_001184880.2(PCDH19):c.522dup (p.Gly175fs)

Gene: PCDH19 (protocadherin 19; minus strand). Cytogenetic location: Xq22.1.
Variant type: Duplication.
Coding change: c.522dup on transcript NM_001184880.2 (MANE Select); coding-DNA position 522, one base duplicated (C; older notation c.522dupC).
Protein change: p.Gly175fs; shifts the reading frame from glycine 175.
Molecular consequence: frameshift variant.
Genome position (GRCh38, 1-based): chrX:100,408,076, G duplicated on the plus strand (C on the coding strand, the reverse complement: PCDH19 is on the minus strand). VCF-style (leftmost placement, unchanged base first): chrX-100408075-C-CG. GRCh37 (hg19) VCF-style: chrX-99663073-C-CG.
Other names: c.522dup, p.Gly175fs (NM_001105243.2, NM_020766.3); short protein forms G175fs.
Identifiers: ClinVar variation 4845296 (VCV004845296.1).

ClinVar aggregate classification (germline): Likely pathogenic (1 of 4 stars; one submission).

Conditions:
Developmental and epileptic encephalopathy, 9 (DEE9). Also called: Early infantile epileptic encephalopathy 9; JUBERG-HELLMAN SYNDROME; PCDH19-Related X-Linked Female-Limited Epilepsy with Mental Retardation; EPILEPSY, FEMALE-RESTRICTED, WITH MENTAL RETARDATION. Identifiers: Orphanet 101039, Orphanet 2076, MedGen C1848137, MONDO:0010246, OMIM 300088. Disease mechanism: loss of function.

Submission:

Genomics, Clalit Research Institute, Clalit Health Care
Classification: Likely pathogenic for Developmental and epileptic encephalopathy, 9. Last evaluated: 2025-08-07. Review status: criteria provided, single submitter. Criteria: ACMG Guidelines, 2015. Collection method: clinical testing. Allele origin: germline. Affected: yes.
Comment: Frequency: The variant is absent from the gnomAD reference population dataset. Variant type: Null variant in a gene where LOF is a known mechanism of disease. Predicted to undergo NMD. Clinical evidence: To date, the variant has not been described by reputable sources or in the primary literature.